The following is an entry in ClinVar:

ClinVar aggregate classification (germline): Uncertain significance. Review status: criteria provided, multiple submitters, no conflicts (2 of 4 stars). 2 submissions from 2 submitters: Uncertain significance (2). Last evaluated 2026-03-01.

Conditions:
EGFR-related lung cancer (EGFR). Identifiers: MedGen CN130014.
Hereditary cancer-predisposing syndrome. Also called: Hereditary neoplastic syndrome; Neoplastic Syndromes, Hereditary; Tumor predisposition; Hereditary Cancer Syndrome. Identifiers: Orphanet 140162, MedGen C0027672, MeSH D009386, MONDO:0015356.

Allele frequency attached by ClinVar (database versions not stated): TOPMed 0.00002; ESP Exome Variant Server 0.00008; ExAC 0.00001; gnomAD 0.00001.
gnomAD v4.1: 1 of 1,614,064 alleles (0.000062%); highest among the groups gnomAD compares: African/African-American, 0.0013%; no homozygotes.

Submissions (2):

Ambry Genetics
Classification: Uncertain significance for Hereditary cancer-predisposing syndrome. Last evaluated: 2026-03-01. Review status: criteria provided, single submitter. Criteria: Ambry Variant Classification Scheme 2023. Collection method: clinical testing. Allele origin: germline.

Labcorp Genetics (formerly Invitae), Labcorp
Classification: Uncertain significance for EGFR-related lung cancer. Last evaluated: 2025-10-02. Review status: criteria provided, single submitter. Criteria: Invitae Variant Classification Sherloc (09022015). Collection method: clinical testing. Allele origin: germline.
Comment: This sequence change replaces threonine, which is neutral and polar, with arginine, which is basic and polar, at codon 34 of the EGFR protein (p.Thr34Arg). This variant is not present in population databases (gnomAD no frequency). This variant has not been reported in the literature in individuals affected with EGFR-related conditions. ClinVar contains an entry for this variant (Variation ID: 2187072). An algorithm developed to predict the effect of missense changes on protein structure and function (PolyPhen-2) suggests that this variant is likely to be disruptive. In summary, the available evidence is currently insufficient to determine the role of this variant in disease. Therefore, it has been classified as a Variant of Uncertain Significance.

NM_005228.5(EGFR):c.101C>G (p.Thr34Arg)

Gene: EGFR (epidermal growth factor receptor; plus strand). Cytogenetic location: 7p11.2.
Variant type: single nucleotide variant.
Coding change: c.101C>G on transcript NM_005228.5 (MANE Select); coding-DNA position 101, C replaced by G.
Protein change: p.Thr34Arg; replaces threonine 34 with arginine.
Molecular consequence: missense variant. On other transcripts: 5 prime UTR variant (1), intron variant (1).
Genome position (GRCh38, 1-based): chr7:55,142,298, C>G. VCF-style: chr7-55142298-C-G. GRCh37 (hg19) VCF-style: chr7-55209991-C-G.
Other names: c.101C>G, p.Thr34Arg (NM_001346897.2, NM_001346898.2, NM_001346899.2 and 3 more transcripts); c.-59C>G (NM_001346900.2); c.89-13532C>G (NM_001346941.2); short protein forms T34R.
Identifiers: ClinVar variation 2187072 (VCV002187072.6), dbSNP rs144158123, ClinGen allele CA4265137.